The following is an entry in ClinVar:

ClinVar aggregate classification (germline): Likely benign. Review status: criteria provided, multiple submitters, no conflicts (2 of 4 stars). 5 submissions from 5 submitters: Likely benign (5). Last evaluated 2025-12-10.

Conditions:
Pheochromocytoma/paraganglioma syndrome 4. Also called: CAROTID BODY TUMORS AND MULTIPLE EXTRAADRENAL PHEOCHROMOCYTOMAS; PARAGANGLIOMA, FAMILIAL MALIGNANT; PARAGANGLIOMAS, HEREDITARY EXTRAADRENAL; PHEOCHROMOCYTOMA, FAMILIAL EXTRAADRENAL; Paragangliomas 4; SDHB-Related Hereditary Paraganglioma-Pheochromocytoma Syndrome (Paragangliomas 4). Identifiers: Orphanet 29072, MedGen C1861848, MONDO:0007273, OMIM 115310.
Pheochromocytoma. Also called: MAX-Related Hereditary Paraganglioma-Pheochromocytoma Syndrome. Identifiers: Orphanet 29072, MedGen C0031511, MONDO:0008233, OMIM 171300, HP:0002666.
Gastrointestinal stromal tumor. Also called: Gastrointestinal stromal tumor, somatic; Gastrointestinal stroma tumor. Identifiers: Orphanet 44890, MedGen C0238198, MeSH D046152, MONDO:0011719, OMIM 606764, HP:0100723.
Hereditary pheochromocytoma and paraganglioma. Also called: Hereditary Paraganglioma-Pheochromocytoma Syndromes; Hereditary pheochromocytoma-paraganglioma; Hereditary paragangliomas and pheochromocytomas. Identifiers: Orphanet 29072, MedGen C4274332, MONDO:0017366.

Submissions (5):

Labcorp Genetics (formerly Invitae), Labcorp
Classification: Likely benign for Gastrointestinal stromal tumor; Pheochromocytoma/paraganglioma syndrome 4; Pheochromocytoma. Last evaluated: 2025-12-10. Review status: criteria provided, single submitter. Criteria: Invitae Variant Classification Sherloc (09022015). Collection method: clinical testing. Allele origin: germline.

Myriad Genetics, Inc.
Classification: Likely benign for Pheochromocytoma/paraganglioma syndrome 4. Last evaluated: 2025-03-12. Review status: criteria provided, single submitter. Criteria: Myriad Autosomal Dominant, Autosomal Recessive and X-Linked Classification Criteria (2023). Collection method: clinical testing. Allele origin: unknown.
Comment: This variant is considered likely benign. This variant is intronic and is not expected to impact mRNA splicing.

Center for Genomic Medicine, Rigshospitalet, Copenhagen University Hospital
Classification: Likely benign. Last evaluated: 2025-03-04. Review status: criteria provided, single submitter. Criteria: ACMG Guidelines, 2015. Collection method: clinical testing. Allele origin: germline.

All of Us Research Program, National Institutes of Health
Classification: Likely benign for Hereditary pheochromocytoma and paraganglioma. Last evaluated: 2024-05-30. Review status: criteria provided, single submitter. Criteria: ACMG Guidelines, 2015. Collection method: clinical testing. Allele origin: germline. Inheritance: Autosomal dominant inheritance. Observed: 1 variant allele, 1 heterozygote.
Comment: This study involves interpretation of variants in research participants for the purpose of population health screening. Participant phenotype was not available at the time of variant classification. Additional details can be found in publication PMID: 35346344, PMCID: PMC8962531

Department of Pathology and Laboratory Medicine, Sinai Health System
Classification: Likely benign for Gastrointestinal stromal tumor. Last evaluated: 2021-05-20. Review status: criteria provided, single submitter. Criteria: ACMG Guidelines, 2015. Collection method: clinical testing. Allele origin: germline. Affected: yes.

NM_003000.3(SDHB):c.424-13_424-11dup

Gene: SDHB (succinate dehydrogenase complex iron sulfur subunit B; minus strand). Cytogenetic location: 1p36.13.
Variant type: Duplication.
Coding change: c.424-13_424-11dup on transcript NM_003000.3 (MANE Select); 13 bases into the intron before coding-DNA position 424 through 11 bases into the intron before coding-DNA position 424, 3 bases duplicated (CTC; older notation c.424-13_424-11dupCTC).
Molecular consequence: intron variant.
Genome position (GRCh38, 1-based): chr1:17,027,876-17,027,878, GAG duplicated on the plus strand (CTC on the coding strand, the reverse complement: SDHB is on the minus strand); duplicating any 3 consecutive bases within chr1:17,027,876-17,027,880 gives the same sequence; the c. name uses the placement nearest the transcript's 3' end. VCF-style (leftmost placement, unchanged base first): chr1-17027875-A-AGAG. GRCh37 (hg19) VCF-style: chr1-17354370-A-AGAG.
Other names: c.424-13_424-11dupCTC (NM_003000.3).
Identifiers: ClinVar variation 1638613 (VCV001638613.16), dbSNP rs1365741915, ClinGen allele CA890972251.